The following is an entry in ClinVar:

NM_006663.4(PPP1R13L):c.1366_1367delinsA (p.Pro456fs)

Gene: PPP1R13L (protein phosphatase 1 regulatory subunit 13 like; minus strand). Cytogenetic location: 19q13.32.
Variant type: Indel.
Coding change: c.1366_1367delinsA on transcript NM_006663.4 (MANE Select); coding-DNA positions 1366 to 1367, CC replaced by A.
Protein change: p.Pro456fs; shifts the reading frame from proline 456.
Molecular consequence: frameshift variant.
Genome position (GRCh38, 1-based): chr19:45,392,328-45,392,329, GG replaced by T on the plus strand (CC replaced by A on the coding strand, the reverse complement: PPP1R13L is on the minus strand). VCF-style: chr19-45392328-GG-T. GRCh37 (hg19) VCF-style: chr19-45895586-GG-T.
Other names: c.1366_1367delinsA, p.Pro456fs (NM_001142502.2); short protein forms P456fs.
Identifiers: ClinVar variation 4083450 (VCV004083450.1).

ClinVar aggregate classification (germline): Pathogenic (1 of 4 stars; one submission).

Submission:

GeneDx
Classification: Pathogenic. Last evaluated: 2025-03-12. Review status: criteria provided, single submitter. Criteria: GeneDx Variant Classification Process June 2021. Collection method: clinical testing. Allele origin: germline. Affected: yes.
Comment: Frameshift variant predicted to result in protein truncation or nonsense mediated decay in a gene for which loss-of-function is a known mechanism of disease; Has not been previously published as pathogenic or benign to our knowledge; Not observed at significant frequency in large population cohorts (gnomAD); This variant is associated with the following publications: (PMID: 27535533)